The following is an entry in ClinVar:

ClinVar aggregate classification (germline): Uncertain significance. Review status: criteria provided, single submitter (1 of 4 stars). 2 submissions from 2 submitters: Uncertain significance (1). 1 of the submissions does not count toward it. Last evaluated 2025-07-29.

Conditions:
JKAMP neurodevelopmental disorder.
Neurodevelopmental disorder with seizures and impaired intellectual and language development. Identifiers: MedGen CN381014, MONDO:0981032, OMIM 621533.

gnomAD v4.1: 1 of 1,611,622 alleles (0.000062%); highest among the groups gnomAD compares: Non-Finnish European, 0.000085%; no homozygotes.

Submissions (2):

Telethon Undiagnosed Diseases Program, Telethon Institute of Genetics and Medicine
Classification: Uncertain significance for JKAMP neurodevelopmental disorder. Last evaluated: 2025-07-29. Review status: criteria provided, single submitter. Criteria: ACMG Guidelines, 2015. Collection method: clinical testing. Allele origin: inherited. Inheritance: Autosomal recessive inheritance. Affected: yes. Observed: 1 compound heterozygote.
Comment: The genomic variant c.562C>T in the JKAMP gene results in a premature stop codon at position 188 of the protein (p.Arg188Ter). This variant is a single nucleotide substitution, changing the codon for arginine (CGA) to a stop codon (TGA).

OMIM
Classification: Pathogenic for NEURODEVELOPMENTAL DISORDER WITH SEIZURES AND IMPAIRED INTELLECTUAL AND LANGUAGE DEVELOPMENT. Last evaluated: 2026-03-10. Review status: no assertion criteria provided. Collection method: literature only. Allele origin: germline. Not counted in ClinVar's aggregate classification.

Literature cited by the submitters: PubMed 41643666 (cited by OMIM).

NM_016475.5(JKAMP):c.562C>T (p.Arg188Ter)

Genes: JKAMP (JNK1/MAPK8 associated membrane protein; plus strand), L3HYPDH (trans-L-3-hydroxyproline dehydratase; minus strand). Cytogenetic location: 14q23.1.
Variant type: single nucleotide variant.
Coding change: c.562C>T on transcript NM_016475.5 (MANE Select); coding-DNA position 562, C replaced by T.
Protein change: p.Arg188Ter; replaces arginine 188 with a stop codon.
Molecular consequence: nonsense.
Genome position (GRCh38, 1-based): chr14:59,498,830, C>T. VCF-style: chr14-59498830-C-T. GRCh37 (hg19) VCF-style: chr14-59965548-C-T.
Other names: JKAMP, ARG188TER (SCV006301795); c.544C>T, p.Arg182Ter (NM_001098625.3); c.604C>T, p.Arg202Ter (NM_001284201.2); c.586C>T, p.Arg196Ter (NM_001284202.2); c.373C>T, p.Arg125Ter (NM_001284203.2); c.562C>T, p.Arg188Ter (NM_001284204.2); short protein forms R125*, R182*, R188*, R196*, R202*.
Identifiers: ClinVar variation 4072205 (VCV004072205.2).